The following is an entry in ClinVar:

NM_015559.3(SETBP1):c.1427C>T (p.Pro476Leu)

Gene: SETBP1 (SET binding protein 1; plus strand). Cytogenetic location: 18q12.3.
Variant type: single nucleotide variant.
Coding change: c.1427C>T on transcript NM_015559.3 (MANE Select); coding-DNA position 1427, C replaced by T.
Protein change: p.Pro476Leu; replaces proline 476 with leucine.
Molecular consequence: missense variant.
Genome position (GRCh38, 1-based): chr18:44,950,767, C>T. VCF-style: chr18-44950767-C-T. GRCh37 (hg19) VCF-style: chr18-42530732-C-T.
Other names: c.1427C>T, p.Pro476Leu (NM_001379141.1, NM_001379142.1, NM_001410862.1); short protein forms P476L.
Identifiers: ClinVar variation 1997814 (VCV001997814.4), dbSNP rs2071326992, ClinGen allele CA402318512.

ClinVar aggregate classification (germline): Uncertain significance (1 of 4 stars; one submission).

gnomAD v4.1: 1 of 1,614,066 alleles (0.000062%); highest among the groups gnomAD compares: Non-Finnish European, 0.000085%; no homozygotes.

Submission:

Labcorp Genetics (formerly Invitae), Labcorp
Classification: Uncertain significance. Last evaluated: 2022-05-22. Review status: criteria provided, single submitter. Criteria: Invitae Variant Classification Sherloc (09022015). Collection method: clinical testing. Allele origin: germline.
Comment: This sequence change replaces proline, which is neutral and non-polar, with leucine, which is neutral and non-polar, at codon 476 of the SETBP1 protein (p.Pro476Leu). This variant is not present in population databases (gnomAD no frequency). In summary, the available evidence is currently insufficient to determine the role of this variant in disease. Therefore, it has been classified as a Variant of Uncertain Significance. Algorithms developed to predict the effect of missense changes on protein structure and function (SIFT, PolyPhen-2, Align-GVGD) all suggest that this variant is likely to be tolerated. This variant has not been reported in the literature in individuals affected with SETBP1-related conditions.